The following is an entry in ClinVar:

NM_000228.3(LAMB3):c.2138-7G>A

Gene: LAMB3 (laminin subunit beta 3; minus strand). Cytogenetic location: 1q32.2.
Variant type: single nucleotide variant.
Coding change: c.2138-7G>A on transcript NM_000228.3 (MANE Select); 7 bases into the intron before coding-DNA position 2138, G replaced by A.
Molecular consequence: intron variant.
Genome position (GRCh38, 1-based): chr1:209,623,732, C>T on the plus strand (G>A on the coding strand, the complement: LAMB3 is on the minus strand). VCF-style: chr1-209623732-C-T. GRCh37 (hg19) VCF-style: chr1-209797077-C-T.
Other names: c.2138-7G>A (NM_001127641.1, NM_001017402.2).
Identifiers: ClinVar variation 764551 (VCV000764551.11), dbSNP rs779508669, ClinGen allele CA1375348.

ClinVar aggregate classification (germline): Likely benign. Review status: criteria provided, multiple submitters, no conflicts (2 of 4 stars). 2 submissions from 2 submitters: Likely benign (2). Last evaluated 2026-01-24.

Conditions:
LAMB3-related disorder. Also called: LAMB3-related condition.

Allele frequency attached by ClinVar (database versions not stated): gnomAD 0.00003; TOPMed 0.00004; gnomAD exomes 0.00006; ExAC 0.00008.
gnomAD v4.1: 41 of 1,613,830 alleles (0.0025%); highest among the groups gnomAD compares: East Asian, 0.036%; no homozygotes.

Submissions (2):

Labcorp Genetics (formerly Invitae), Labcorp
Classification: Likely benign. Last evaluated: 2026-01-24. Review status: criteria provided, single submitter. Criteria: Invitae Variant Classification Sherloc (09022015). Collection method: clinical testing. Allele origin: germline.

PreventionGenetics, part of Exact Sciences
Classification: Likely benign for LAMB3-related condition. Last evaluated: 2025-04-30. Review status: criteria provided, single submitter. Criteria: ACMG Guidelines, 2015. Collection method: clinical testing. Allele origin: germline.
Comment: This variant is classified as likely benign based on ACMG/AMP sequence variant interpretation guidelines (Richards et al. 2015 PMID: 25741868, with internal and published modifications).